The following is an entry in ClinVar:

NM_001352027.3(PHF21A):c.370A>G (p.Thr124Ala)

Gene: PHF21A (PHD finger protein 21A; minus strand). Cytogenetic location: 11p11.2.
Variant type: single nucleotide variant.
Coding change: c.370A>G on transcript NM_001352027.3 (MANE Select); coding-DNA position 370, A replaced by G.
Protein change: p.Thr124Ala; replaces threonine 124 with alanine.
Molecular consequence: missense variant. On other transcripts: non-coding transcript variant (2).
Genome position (GRCh38, 1-based): chr11:45,971,358, T>C on the plus strand (A>G on the coding strand, the complement: PHF21A is on the minus strand). VCF-style: chr11-45971358-T-C. GRCh37 (hg19) VCF-style: chr11-45992909-T-C.
Other names: c.370A>G, p.Thr124Ala (NM_001101802.3, NM_001352025.3, NM_001352026.3 and 5 more transcripts); c.367A>G, p.Thr123Ala (NM_001352030.3); short protein forms T123A, T124A.
Identifiers: ClinVar variation 1313193 (VCV001313193.2), dbSNP rs2093731938, ClinGen allele CA380210552.

ClinVar aggregate classification (germline): Uncertain significance (1 of 4 stars; one submission).

Allele frequency attached by ClinVar (database versions not stated): gnomAD exomes below 0.00001; gnomAD 0.00001 and 0.00002; TOPMed 0.00001.
gnomAD v4.1: 5 of 1,613,780 alleles (0.00031%); highest among the groups gnomAD compares: South Asian, 0.0011%; no homozygotes.

Submission:

GeneDx
Classification: Uncertain significance. Last evaluated: 2021-07-12. Review status: criteria provided, single submitter. Criteria: GeneDx Variant Classification Process June 2021. Collection method: clinical testing. Allele origin: germline. Affected: yes.
Comment: Not observed in large population cohorts (Lek et al., 2016); In silico analysis supports that this missense variant does not alter protein structure/function; Has not been previously published as pathogenic or benign to our knowledge; This variant is associated with the following publications: (PMID: 27535533)